The following is an entry in ClinVar:

ClinVar aggregate classification (germline): Uncertain significance. Review status: criteria provided, multiple submitters, no conflicts (2 of 4 stars). 4 submissions from 4 submitters: Uncertain significance (4). Last evaluated 2026-03-01.

Conditions:
Klippel-Feil anomaly-myopathy-facial dysmorphism syndrome. Also called: Klippel-Feil syndrome 4, autosomal recessive, with myopathy and facial dysmorphism; Klippel-feil syndrome 4, autosomal recessive, with nemaline myopathy and facial dysmorphism. Identifiers: Orphanet 447974, MedGen C4225285, MONDO:0014689, OMIM 616549.

Allele frequency attached by ClinVar (database versions not stated): ESP Exome Variant Server 0.00031; gnomAD 0.00031; TOPMed 0.00031; gnomAD exomes 0.00040 and 0.00050; ExAC 0.00049.
gnomAD v4.1: 778 of 1,613,798 alleles (0.048%); highest among the groups gnomAD compares: South Asian, 0.11%; 3 homozygotes.

Submissions (4):

CeGaT Center for Human Genetics Tuebingen
Classification: Uncertain significance. Last evaluated: 2026-03-01. Review status: criteria provided, single submitter. Criteria: CeGaT Center For Human Genetics Tuebingen Variant Classification Criteria Version 2. Collection method: clinical testing. Allele origin: germline. Affected: yes. Observed: 1 variant allele.

Revvity Omics, Revvity
Classification: Uncertain significance for Klippel-Feil anomaly-myopathy-facial dysmorphism syndrome. Last evaluated: 2024-12-04. Review status: criteria provided, single submitter. Criteria: ACMG Guidelines, 2015. Collection method: clinical testing. Allele origin: germline.

Blueprint Genetics
Classification: Uncertain significance. Last evaluated: 2024-10-28. Review status: criteria provided, single submitter. Criteria: ACMG Guidelines, 2015. Collection method: clinical testing. Allele origin: germline.

Labcorp Genetics (formerly Invitae), Labcorp
Classification: Uncertain significance. Last evaluated: 2024-01-15. Review status: criteria provided, single submitter. Criteria: Invitae Variant Classification Sherloc (09022015). Collection method: clinical testing. Allele origin: germline.
Comment: This sequence change replaces aspartic acid, which is acidic and polar, with asparagine, which is neutral and polar, at codon 1448 of the MYO18B protein (p.Asp1448Asn). This variant is present in population databases (rs202224239, gnomAD 0.1%). This variant has not been reported in the literature in individuals affected with MYO18B-related conditions. ClinVar contains an entry for this variant (Variation ID: 1443858). An algorithm developed to predict the effect of missense changes on protein structure and function (PolyPhen-2) suggests that this variant is likely to be disruptive. In summary, the available evidence is currently insufficient to determine the role of this variant in disease. Therefore, it has been classified as a Variant of Uncertain Significance.

NM_032608.7(MYO18B):c.4342G>A (p.Asp1448Asn)

Genes: MYO18B (myosin XVIIIB; plus strand), MYO18B-AS1 (MYO18B antisense RNA 1; minus strand). Cytogenetic location: 22q12.1.
Variant type: single nucleotide variant.
Coding change: c.4342G>A on transcript NM_032608.7 (MANE Select); coding-DNA position 4342, G replaced by A.
Protein change: p.Asp1448Asn; replaces aspartic acid 1448 with asparagine.
Molecular consequence: missense variant.
Genome position (GRCh38, 1-based): chr22:25,890,783, G>A. VCF-style: chr22-25890783-G-A. GRCh37 (hg19) VCF-style: chr22-26286750-G-A.
Other names: c.4345G>A, p.Asp1449Asn (NM_001318245.2); short protein forms D1449N, D1448N.
Identifiers: ClinVar variation 1443858 (VCV001443858.10), dbSNP rs202224239, ClinGen allele CA10160857.